The following is an entry in ClinVar:

ClinVar aggregate classification (germline): Uncertain significance (1 of 4 stars; one submission).

Conditions:
Inborn genetic diseases. Identifiers: MedGen C0950123, MeSH D030342.

Submission:

Ambry Genetics
Classification: Uncertain significance for Inborn genetic diseases. Last evaluated: 2025-07-28. Review status: criteria provided, single submitter. Criteria: Ambry Variant Classification Scheme 2023. Collection method: clinical testing. Allele origin: germline.
Comment: The p.G1124S variant (also known as c.3370G>A), located in coding exon 34 of the FANCA gene, results from a G to A substitution at nucleotide position 3370. The glycine at codon 1124 is replaced by serine, an amino acid with similar properties. This amino acid position is conserved. In addition, this alteration is predicted to be tolerated by in silico analysis. Based on the available evidence, the clinical significance of this variant remains unclear.

NM_000135.4(FANCA):c.3370G>A (p.Gly1124Ser)

Genes: FANCA (FA complementation group A; minus strand), LOC132090450 (Neanderthal introgressed variant-containing enhancer experimental_46718; plus strand). Cytogenetic location: 16q24.3.
Variant type: single nucleotide variant.
Coding change: c.3370G>A on transcript NM_000135.4 (MANE Select); coding-DNA position 3370, G replaced by A.
Protein change: p.Gly1124Ser; replaces glycine 1124 with serine.
Molecular consequence: missense variant.
Genome position (GRCh38, 1-based): chr16:89,746,869, C>T on the plus strand (G>A on the coding strand, the complement: FANCA is on the minus strand). VCF-style: chr16-89746869-C-T. GRCh37 (hg19) VCF-style: chr16-89813277-C-T.
Other names: c.3370G>A, p.Gly1124Ser (NM_001286167.3); short protein forms G1124S.
Identifiers: ClinVar variation 4254231 (VCV004254231.1).